The following is an entry in ClinVar:

ClinVar aggregate classification (germline): Uncertain significance. Review status: criteria provided, multiple submitters, no conflicts (2 of 4 stars). 2 submissions from 2 submitters: Uncertain significance (2). Last evaluated 2024-05-30.

Conditions:
Nephronophthisis. Also called: Juvenile Nephronophthisis. Identifiers: Orphanet 655, MedGen C0687120, MONDO:0019005, HP:0000090.

Submissions (2):

Blueprint Genetics
Classification: Uncertain significance. Last evaluated: 2024-05-30. Review status: criteria provided, single submitter. Criteria: ACMG Guidelines, 2015. Collection method: clinical testing. Allele origin: germline.

Labcorp Genetics (formerly Invitae), Labcorp
Classification: Uncertain significance for Nephronophthisis. Last evaluated: 2022-05-12. Review status: criteria provided, single submitter. Criteria: Invitae Variant Classification Sherloc (09022015). Collection method: clinical testing. Allele origin: germline.
Comment: This sequence change falls in intron 7 of the INVS gene. It does not directly change the encoded amino acid sequence of the INVS protein. It affects a nucleotide within the consensus splice site. This variant is not present in population databases (gnomAD no frequency). This variant has not been reported in the literature in individuals affected with INVS-related conditions. Variants that disrupt the consensus splice site are a relatively common cause of aberrant splicing (PMID: 17576681, 9536098). Algorithms developed to predict the effect of sequence changes on RNA splicing suggest that this variant is not likely to affect RNA splicing. In summary, the available evidence is currently insufficient to determine the role of this variant in disease. Therefore, it has been classified as a Variant of Uncertain Significance.

Literature cited by the submitters: PubMed 17576681 (cited by Labcorp Genetics (formerly Invitae), Labcorp); PubMed 9536098 (cited by Labcorp Genetics (formerly Invitae), Labcorp).

NM_014425.5(INVS):c.907-3C>T

Gene: INVS (inversin; plus strand). Cytogenetic location: 9q31.1.
Variant type: single nucleotide variant.
Coding change: c.907-3C>T on transcript NM_014425.5 (MANE Select); 3 bases into the intron before coding-DNA position 907, C replaced by T.
Molecular consequence: intron variant. On other transcripts: 5 prime UTR variant (1).
Genome position (GRCh38, 1-based): chr9:100,246,613, C>T. VCF-style: chr9-100246613-C-T. GRCh37 (hg19) VCF-style: chr9-103008895-C-T.
Other names: c.-75C>T (NM_001318382.2); c.619-3C>T (NM_001318381.2).
Identifiers: ClinVar variation 1960421 (VCV001960421.3), dbSNP rs2491256791, ClinGen allele CA2580079265.
Genomic context (GRCh38, chr9:100,246,613, plus strand): 5'-ACTTTATTACCACAGAAAATACTACTGTTTTGTCTCCATTTTTTAAATCAAGTTTTCTTA[C>T]AGGAAACGGTTAAAGTGTTTTTAAAACATCCTTCAGTGAAAGATGATTCAGACCTGGAAG-3'